The following is an entry in ClinVar:

ClinVar aggregate classification (germline): Uncertain significance. Review status: criteria provided, multiple submitters, no conflicts (2 of 4 stars). 2 submissions from 2 submitters: Uncertain significance (2). Last evaluated 2025-07-03.

Allele frequency attached by ClinVar (database versions not stated): gnomAD 0.00001; ExAC 0.00002; TOPMed 0.00002.
gnomAD v4.1: 41 of 1,613,900 alleles (0.0025%); highest among the groups gnomAD compares: South Asian, 0.0055%; no homozygotes.

Submissions (2):

Ambry Genetics
Classification: Uncertain significance. Last evaluated: 2025-07-03. Review status: criteria provided, single submitter. Criteria: Ambry Variant Classification Scheme 2023. Collection method: clinical testing. Allele origin: germline.

Labcorp Genetics (formerly Invitae), Labcorp
Classification: Uncertain significance. Last evaluated: 2023-10-06. Review status: criteria provided, single submitter. Criteria: Invitae Variant Classification Sherloc (09022015). Collection method: clinical testing. Allele origin: germline.
Comment: This sequence change replaces arginine, which is basic and polar, with glutamine, which is neutral and polar, at codon 521 of the FAM65B protein (p.Arg521Gln). This variant is present in population databases (rs748165543, gnomAD 0.003%). This variant has not been reported in the literature in individuals affected with FAM65B-related conditions. Algorithms developed to predict the effect of missense changes on protein structure and function output the following: SIFT: "Not Available"; PolyPhen-2: "Benign"; Align-GVGD: "Not Available". The glutamine amino acid residue is found in multiple mammalian species, which suggests that this missense change does not adversely affect protein function. In summary, the available evidence is currently insufficient to determine the role of this variant in disease. Therefore, it has been classified as a Variant of Uncertain Significance.

NM_001286445.3(RIPOR2):c.1499G>A (p.Arg500Gln)

Gene: RIPOR2 (RHO family interacting cell polarization regulator 2; minus strand). Cytogenetic location: 6p22.3.
Variant type: single nucleotide variant.
Coding change: c.1499G>A on transcript NM_001286445.3 (MANE Select); coding-DNA position 1499, G replaced by A.
Protein change: p.Arg500Gln; replaces arginine 500 with glutamine.
Molecular consequence: missense variant.
Genome position (GRCh38, 1-based): chr6:24,843,220, C>T on the plus strand (G>A on the coding strand, the complement: RIPOR2 is on the minus strand). VCF-style: chr6-24843220-C-T. GRCh37 (hg19) VCF-style: chr6-24843448-C-T.
Other names: c.1412G>A, p.Arg471Gln (NM_015864.5, NM_001286447.2, NM_001346031.2 and 1 more transcripts); c.1514G>A, p.Arg505Gln (NM_001286446.3); c.1562G>A, p.Arg521Gln (NM_014722.5); c.1562G>A (NM_014722.2); short protein forms R505Q, R521Q, R500Q, R471Q.
Identifiers: ClinVar variation 2974444 (VCV002974444.4), dbSNP rs748165543, ClinGen allele CA3659242.